The following is an entry in ClinVar:

ClinVar aggregate classification (germline): Benign/Likely benign. Review status: criteria provided, multiple submitters, no conflicts (2 of 4 stars). 3 submissions from 3 submitters: Benign (1); Likely benign (2). Last evaluated 2025-10-25.

Allele frequency attached by ClinVar (database versions not stated): gnomAD exomes 0.00035 and 0.00080; ESP Exome Variant Server 0.00081; ExAC 0.00142; 1000 Genomes Project 30x 0.00265; 1000 Genomes Project 0.00300; gnomAD 0.00364 and 0.00392; TOPMed 0.00410.
gnomAD v4.1: 1,095 of 1,539,390 alleles (0.071%); highest among the groups gnomAD compares: African/African-American, 1.2%; 6 homozygotes.

Submissions (3):

Labcorp Genetics (formerly Invitae), Labcorp
Classification: Benign. Last evaluated: 2025-10-25. Review status: criteria provided, single submitter. Criteria: Invitae Variant Classification Sherloc (09022015). Collection method: clinical testing. Allele origin: germline.

Blueprint Genetics
Classification: Likely benign. Last evaluated: 2024-07-23. Review status: criteria provided, single submitter. Criteria: ACMG Guidelines, 2015. Collection method: clinical testing. Allele origin: germline.

GeneDx
Classification: Likely benign. Last evaluated: 2017-06-14. Review status: criteria provided, single submitter. Criteria: GeneDx Variant Classification (06012015). Collection method: clinical testing. Allele origin: germline. Affected: yes.
Comment: This variant is considered likely benign or benign based on one or more of the following criteria: it is a conservative change, it occurs at a poorly conserved position in the protein, it is predicted to be benign by multiple in silico algorithms, and/or has population frequency not consistent with disease.

NM_001130969.3(NSMF):c.134-17C>T

Gene: NSMF (NMDA receptor synaptonuclear signaling and neuronal migration factor; minus strand). Cytogenetic location: 9q34.3.
Variant type: single nucleotide variant.
Coding change: c.134-17C>T on transcript NM_001130969.3 (MANE Select); 17 bases into the intron before coding-DNA position 134, C replaced by T.
Molecular consequence: intron variant.
Genome position (GRCh38, 1-based): chr9:137,457,918, G>A on the plus strand (C>T on the coding strand, the complement: NSMF is on the minus strand). VCF-style: chr9-137457918-G-A. GRCh37 (hg19) VCF-style: chr9-140352370-G-A.
Other names: c.134-17C>T (NM_001130971.2, NM_015537.5, NM_001130970.2 and 1 more transcripts).
Identifiers: ClinVar variation 506589 (VCV000506589.7), dbSNP rs149347630, ClinGen allele CA5370593.